The following is an entry in ClinVar:

NM_000016.6(ACADM):c.1124T>C (p.Ile375Thr)

Gene: ACADM (acyl-CoA dehydrogenase medium chain; plus strand). Cytogenetic location: 1p31.1.
Variant type: single nucleotide variant.
Coding change: c.1124T>C on transcript NM_000016.6 (MANE Select); coding-DNA position 1124, T replaced by C.
Protein change: p.Ile375Thr; replaces isoleucine 375 with threonine.
Molecular consequence: missense variant.
Genome position (GRCh38, 1-based): chr1:75,761,300, T>C. VCF-style: chr1-75761300-T-C. GRCh37 (hg19) VCF-style: chr1-76226985-T-C.
Other names: c.1136T>C, p.Ile379Thr (NM_001127328.3); c.1016T>C, p.Ile339Thr (NM_001286042.2); c.1223T>C, p.Ile408Thr (NM_001286043.2); c.557T>C, p.Ile186Thr (NM_001286044.2); c.1124T>C (NM_000016.5); short protein forms I375T, I379T, I186T, I339T, I408T.
Identifiers: ClinVar variation 3589 (VCV000003589.7), dbSNP rs121434275, ClinGen allele CA252826.

ClinVar aggregate classification (germline): Likely pathogenic. Review status: criteria provided, multiple submitters, no conflicts (2 of 4 stars). 3 submissions from 3 submitters: Likely pathogenic (2). 1 of the submissions does not count toward it. Last evaluated 2026-01-05.

Conditions:
Medium-chain acyl-coenzyme A dehydrogenase deficiency (ACADMD). Also called: MCADH DEFICIENCY; MCAD Deficiency; MCADD; CARNITINE DEFICIENCY SECONDARY TO MEDIUM-CHAIN ACYL-CoA DEHYDROGENASE DEFICIENCY; ACADM DEFICIENCY; Medium chain acyl-CoA dehydrogenase deficiency. Identifiers: Orphanet 42, MedGen C0220710, MONDO:0008721, OMIM 201450.

Allele frequency attached by ClinVar (database versions not stated): gnomAD 0.00001.
gnomAD v4.1: 1 of 1,613,958 alleles (0.000062%); highest among the groups gnomAD compares: Admixed American, 0.0017%; no homozygotes.

Submissions (3):

Natera, Inc.
Classification: Likely pathogenic for Medium Chain Acyl-CoA Dehydrogenase Deficiency. Last evaluated: 2026-01-05. Review status: criteria provided, single submitter. Criteria: Natera Variant Classification Schema (03/2026). Collection method: clinical testing. Allele origin: germline.
Comment: The c.1124T>C variant in ACADM is a missense variant predicted to cause substitution of isoleucine to threonine at amino acid 375. This variant is rare in the general population with a frequency below the threshold expected for the associated phenotype(s). This variant has been observed in one or more individuals affected with the associated recessive disease, as either homozygous or compound heterozygous with a second variant (PMID: 1684086). This variant has been identified in one or more affected individuals with a phenotype highly consistent with the associated gene (PMID: 1684086, 8134205). Computational prediction algorithms indicate this variant is likely to affect gene or protein function. Given the available evidence, this variant is classified as Likely Pathogenic.

Labcorp Genetics (formerly Invitae), Labcorp
Classification: Likely pathogenic for Medium-chain acyl-coenzyme A dehydrogenase deficiency. Last evaluated: 2022-08-05. Review status: criteria provided, single submitter. Criteria: Invitae Variant Classification Sherloc (09022015). Collection method: clinical testing. Allele origin: germline.
Comment: In summary, the currently available evidence indicates that the variant is pathogenic, but additional data are needed to prove that conclusively. Therefore, this variant has been classified as Likely Pathogenic. Advanced modeling of protein sequence and biophysical properties (such as structural, functional, and spatial information, amino acid conservation, physicochemical variation, residue mobility, and thermodynamic stability) performed at Invitae indicates that this missense variant is expected to disrupt ACADM protein function. This missense change has been observed in individual(s) with Medium-chain acyl-coenzyme A dehydrogenase deficiency (PMID: 1684086). In at least one individual the data is consistent with being in trans (on the opposite chromosome) from a pathogenic variant. ClinVar contains an entry for this variant (Variation ID: 3589). This sequence change replaces isoleucine, which is neutral and non-polar, with threonine, which is neutral and polar, at codon 375 of the ACADM protein (p.Ile375Thr). This variant is present in population databases (rs121434275, gnomAD 0.1%).

OMIM
Classification: Pathogenic for MCAD DEFICIENCY. Last evaluated: 1991-12-01. Review status: no assertion criteria provided. Collection method: literature only. Allele origin: germline. Not counted in ClinVar's aggregate classification.

Literature cited by the submitters: PubMed 1684086 (cited by 3 submitters); PubMed 8134205 (cited by Natera, Inc.).